The following is an entry in ClinVar:

ClinVar aggregate classification (germline): Likely pathogenic. Review status: criteria provided, multiple submitters, no conflicts (2 of 4 stars). 3 submissions from 3 submitters: Likely pathogenic (3). Last evaluated 2023-04-17.

Conditions:
Pontocerebellar hypoplasia type 6 (PCH6). Identifiers: Orphanet 166073, MedGen C1969084, MONDO:0012683, OMIM 611523.

Allele frequency attached by ClinVar (database versions not stated): gnomAD exomes below 0.00001.
gnomAD v4.1: 1 of 1,610,626 alleles (0.000062%); highest among the groups gnomAD compares: Non-Finnish European, 0.000085%; no homozygotes.

Submissions (3):

Greenwood Genetic Center Diagnostic Laboratories, Greenwood Genetic Center
Classification: Likely pathogenic for Pontocerebellar hypoplasia type 6. Last evaluated: 2023-04-17. Review status: criteria provided, single submitter. Criteria: ACMG Guidelines, 2015. Collection method: clinical testing. Allele origin: germline. Affected: yes.
Comment: PVS1, PM2

Baylor Genetics
Classification: Likely pathogenic for Pontocerebellar hypoplasia type 6. Last evaluated: 2022-12-12. Review status: criteria provided, single submitter. Criteria: ACMG Guidelines, 2015. Collection method: clinical testing. Allele origin: unknown.

Department of Pathology and Laboratory Medicine, Sinai Health System
Classification: Likely pathogenic for Pontocerebellar hypoplasia type 6. Last evaluated: 2021-12-03. Review status: criteria provided, single submitter. Criteria: ACMG Guidelines, 2015. Collection method: research. Allele origin: germline.

NM_020320.5(RARS2):c.536-1G>A

Gene: RARS2 (arginyl-tRNA synthetase 2, mitochondrial; minus strand). Cytogenetic location: 6q15.
Variant type: single nucleotide variant.
Coding change: c.536-1G>A on transcript NM_020320.5 (MANE Select); the canonical splice acceptor site of the intron before coding-DNA position 536, G replaced by A.
Molecular consequence: splice acceptor variant.
Genome position (GRCh38, 1-based): chr6:87,541,995, C>T on the plus strand (G>A on the coding strand, the complement: RARS2 is on the minus strand). VCF-style: chr6-87541995-C-T. GRCh37 (hg19) VCF-style: chr6-88251713-C-T.
Other names: c.536-1G>A (NM_001350505.2); c.11-1G>A (NM_001350509.2, NM_001318785.2, NM_001350506.2 and 4 more transcripts).
Identifiers: ClinVar variation 2572336 (VCV002572336.3), dbSNP rs2484026671, ClinGen allele CA364931980.